The following is an entry in ClinVar:

NM_005591.4(MRE11):c.673A>G (p.Ser225Gly)

Gene: MRE11 (MRE11 double strand break repair nuclease; minus strand). Cytogenetic location: 11q21.
Variant type: single nucleotide variant.
Coding change: c.673A>G on transcript NM_005591.4 (MANE Select); coding-DNA position 673, A replaced by G.
Protein change: p.Ser225Gly; replaces serine 225 with glycine.
Molecular consequence: missense variant.
Genome position (GRCh38, 1-based): chr11:94,471,746, T>C on the plus strand (A>G on the coding strand, the complement: MRE11 is on the minus strand). VCF-style: chr11-94471746-T-C. GRCh37 (hg19) VCF-style: chr11-94204912-T-C.
Other names: c.673A>G, p.Ser225Gly (NM_001330347.2, NM_005590.4); short protein forms S225G.
Identifiers: ClinVar variation 479729 (VCV000479729.8), dbSNP rs763790530, ClinGen allele CA226531638.

ClinVar aggregate classification (germline): Conflicting classifications of pathogenicity. Review status: criteria provided, conflicting classifications (1 of 4 stars). 3 submissions from 3 submitters: Uncertain significance (2); Likely benign (1). Last evaluated 2025-07-15.

Conditions:
Hereditary cancer-predisposing syndrome. Also called: Hereditary Cancer Syndrome; Neoplastic Syndromes, Hereditary; Tumor predisposition; Hereditary neoplastic syndrome. Identifiers: Orphanet 140162, MedGen C0027672, MeSH D009386, MONDO:0015356.
Ataxia-telangiectasia-like disorder (ATLD). Identifiers: MedGen C1858391, MONDO:0011457.
Ataxia-telangiectasia-like disorder 1 (ATLD1). Identifiers: Orphanet 251347, MedGen C4012790, MONDO:0024557, OMIM 604391.

gnomAD v4.1: 14 of 1,611,480 alleles (0.00087%); highest among the groups gnomAD compares: Non-Finnish European, 0.0012%; no homozygotes.

Submissions (3):

Labcorp Genetics (formerly Invitae), Labcorp
Classification: Uncertain significance for Ataxia-telangiectasia-like disorder. Last evaluated: 2025-07-15. Review status: criteria provided, single submitter. Criteria: Invitae Variant Classification Sherloc (09022015). Collection method: clinical testing. Allele origin: germline.
Comment: This sequence change replaces serine, which is neutral and polar, with glycine, which is neutral and non-polar, at codon 225 of the MRE11 protein (p.Ser225Gly). This variant is present in population databases (rs763790530, gnomAD 0.0009%). This variant has not been reported in the literature in individuals affected with MRE11-related conditions. ClinVar contains an entry for this variant (Variation ID: 479729). An algorithm developed to predict the effect of missense changes on protein structure and function (PolyPhen-2) suggests that this variant is likely to be tolerated. In summary, the available evidence is currently insufficient to determine the role of this variant in disease. Therefore, it has been classified as a Variant of Uncertain Significance.

Ambry Genetics
Classification: Likely benign for Hereditary cancer-predisposing syndrome. Last evaluated: 2024-08-21. Review status: criteria provided, single submitter. Criteria: Ambry Variant Classification Scheme 2023. Collection method: clinical testing. Allele origin: germline.

Baylor Genetics
Classification: Uncertain significance for Ataxia-telangiectasia-like disorder 1. Last evaluated: 2023-07-19. Review status: criteria provided, single submitter. Criteria: ACMG Guidelines, 2015. Collection method: clinical testing. Allele origin: unknown.